The following is an entry in ClinVar:

ClinVar aggregate classification (germline): Likely pathogenic (1 of 4 stars; one submission).

Conditions:
Hereditary spastic paraplegia 46. Also called: Spastic paraplegia 46, autosomal recessive. Identifiers: Orphanet 320391, MedGen C2828721, MONDO:0013737, OMIM 614409.

Submission:

Diagnostics Services (NGS), CSIR - Centre For Cellular And Molecular Biology
Classification: Likely pathogenic for Hereditary spastic paraplegia 46. Last evaluated: 2022-09-28. Review status: criteria provided, single submitter. Criteria: ACMG Guidelines, 2015. Collection method: clinical testing. Allele origin: unknown. Affected: yes. Observed: 1 variant allele, 1 homozygote.
Comment: The c.2506-2A>G is not present in publicly available population databases like 1000 Genomes, EVS, ExAC, gnomAD, Indian Exome Database or our in-house exome database. The variant has neither been published in literature nor reported to clinical databases like ClinVar, Human Genome Mutation Database (HGMD) and/or OMIM, in any affected individuals. In silico pathogenicity programs like MutationTaster2, CADD, Varsome, HSF3.1 etc. predicted this variant to be likely deleterious by causing splicing aberration, however these predictions were not confirmed by any published functional/translational studies.

NM_020944.3(GBA2):c.2506-2A>G

Gene: GBA2 (glucosylceramidase beta 2; minus strand). Cytogenetic location: 9p13.3.
Variant type: single nucleotide variant.
Coding change: c.2506-2A>G on transcript NM_020944.3 (MANE Select); the canonical splice acceptor site of the intron before coding-DNA position 2506, A replaced by G.
Molecular consequence: splice acceptor variant. On other transcripts: 3 prime UTR variant (1).
Genome position (GRCh38, 1-based): chr9:35,737,449, T>C on the plus strand (A>G on the coding strand, the complement: GBA2 is on the minus strand). VCF-style: chr9-35737449-T-C. GRCh37 (hg19) VCF-style: chr9-35737446-T-C.
Other names: c.*27A>G (NM_001330660.2).
Identifiers: ClinVar variation 1802259 (VCV001802259.3), dbSNP rs2490823676, ClinGen allele CA373402009.